The following is an entry in ClinVar:

NM_014009.4(FOXP3):c.655C>A (p.Gln219Lys)

Gene: FOXP3 (forkhead box P3; minus strand). Cytogenetic location: Xp11.23.
Variant type: single nucleotide variant.
Coding change: c.655C>A on transcript NM_014009.4 (MANE Select); coding-DNA position 655, C replaced by A.
Protein change: p.Gln219Lys; replaces glutamine 219 with lysine.
Molecular consequence: missense variant.
Genome position (GRCh38, 1-based): chrX:49,255,795, G>T on the plus strand (C>A on the coding strand, the complement: FOXP3 is on the minus strand). VCF-style: chrX-49255795-G-T. GRCh37 (hg19) VCF-style: chrX-49112256-G-T.
Other names: c.550C>A, p.Gln184Lys (NM_001114377.2); short protein forms Q184K, Q219K.
Identifiers: ClinVar variation 3679054 (VCV003679054.2).

ClinVar aggregate classification (germline): Uncertain significance (1 of 4 stars; one submission).

Conditions:
Insulin-dependent diabetes mellitus secretory diarrhea syndrome (IPEX). Also called: DIABETES MELLITUS, CONGENITAL INSULIN-DEPENDENT, WITH FATAL SECRETORY DIARRHEA; DIARRHEA, POLYENDOCRINOPATHY, FATAL INFECTION SYNDROME, X-LINKED; ENTEROPATHY, AUTOIMMUNE, WITH HEMOLYTIC ANEMIA AND POLYENDOCRINOPATHY; IMMUNODEFICIENCY, POLYENDOCRINOPATHY, AND ENTEROPATHY, X-LINKED; X-Linked Autoimmunity-Allergic Dysregulation Syndrome; Immunodysregulation, polyendocrinopathy, and enteropathy, X-linked. Identifiers: Orphanet 37042, MedGen C0342288, MONDO:0010580, OMIM 304790. Disease mechanism: loss of function.

gnomAD v4.1: 12 of 1,204,964 alleles (0.001%); highest among the groups gnomAD compares: Non-Finnish European, 0.0013%; no homozygotes.

Submission:

Labcorp Genetics (formerly Invitae), Labcorp
Classification: Uncertain significance for Insulin-dependent diabetes mellitus secretory diarrhea syndrome. Last evaluated: 2024-06-19. Review status: criteria provided, single submitter. Criteria: Invitae Variant Classification Sherloc (09022015). Collection method: clinical testing. Allele origin: germline.
Comment: This sequence change replaces glutamine, which is neutral and polar, with lysine, which is basic and polar, at codon 219 of the FOXP3 protein (p.Gln219Lys). This variant is not present in population databases (gnomAD no frequency). This variant has not been reported in the literature in individuals affected with FOXP3-related conditions. Advanced modeling of protein sequence and biophysical properties (such as structural, functional, and spatial information, amino acid conservation, physicochemical variation, residue mobility, and thermodynamic stability) performed at Invitae indicates that this missense variant is not expected to disrupt FOXP3 protein function with a negative predictive value of 80%. In summary, the available evidence is currently insufficient to determine the role of this variant in disease. Therefore, it has been classified as a Variant of Uncertain Significance.